The following is an entry in ClinVar:

NM_003238.6(TGFB2):c.798_805delinsA (p.Ile267fs)

Gene: TGFB2 (transforming growth factor beta 2; plus strand). Cytogenetic location: 1q41.
Variant type: Indel.
Coding change: c.798_805delinsA on transcript NM_003238.6 (MANE Select); coding-DNA positions 798 to 805, TATAAAGT replaced by A.
Protein change: p.Ile267fs; shifts the reading frame from isoleucine 267.
Molecular consequence: frameshift variant.
Genome position (GRCh38, 1-based): chr1:218,436,013-218,436,020, TATAAAGT replaced by A. VCF-style: chr1-218436013-TATAAAGT-A. GRCh37 (hg19) VCF-style: chr1-218609355-TATAAAGT-A.
Other names: c.882_889delinsA, p.Ile295fs (NM_001135599.4); c.798_805delTATAAAGTinsA (NM_003238.3); c.798_805delinsA (NM_003238.3); short protein forms I295fs, I267fs.
Identifiers: ClinVar variation 818078 (VCV000818078.2), dbSNP rs1571902862, ClinGen allele CA915942037.

ClinVar aggregate classification (germline): Pathogenic (1 of 4 stars; one submission).

Submission:

GeneDx
Classification: Pathogenic. Last evaluated: 2024-10-29. Review status: criteria provided, single submitter. Criteria: GeneDx Variant Classification Process June 2021. Collection method: clinical testing. Allele origin: germline. Affected: yes.
Comment: Has not been previously published as pathogenic or benign to our knowledge; Not observed at significant frequency in large population cohorts (gnomAD); Frameshift variant predicted to result in protein truncation or nonsense mediated decay in a gene for which loss-of-function is a known mechanism of disease